The following is an entry in ClinVar:

NM_000127.3(EXT1):c.2178C>T (p.Pro726=)

Gene: EXT1 (exostosin glycosyltransferase 1; minus strand). Cytogenetic location: 8q24.11.
Variant type: single nucleotide variant.
Coding change: c.2178C>T on transcript NM_000127.3 (MANE Select); coding-DNA position 2178, C replaced by T.
Protein change: p.Pro726=; no amino-acid change (proline 726 retained).
Molecular consequence: synonymous variant.
Genome position (GRCh38, 1-based): chr8:117,799,775, G>A on the plus strand (C>T on the coding strand, the complement: EXT1 is on the minus strand). VCF-style: chr8-117799775-G-A. GRCh37 (hg19) VCF-style: chr8-118812014-G-A.
Identifiers: ClinVar variation 783178 (VCV000783178.10), dbSNP rs557560039, ClinGen allele CA4853934.

ClinVar aggregate classification (germline): Benign/Likely benign. Review status: criteria provided, multiple submitters, no conflicts (2 of 4 stars). 3 submissions from 3 submitters: Benign (1); Likely benign (1). 1 of the submissions does not count toward it. Last evaluated 2025-09-09.

Conditions:
EXT1-related disorder. Also called: EXT1-related condition.
Multiple congenital exostosis (EXT). Also called: Multiple exostoses; Hereditary multiple exostoses; Hereditary multiple exostosis; MULTIPLE CARTILAGINOUS EXOSTOSES; Multiple osteochondromas; Hereditary multiple osteochondromas. Identifiers: Orphanet 321, MedGen C0015306, MONDO:0005508, HP:0002762.

Allele frequency attached by ClinVar (database versions not stated): gnomAD 0.00005 and 0.00015; TOPMed 0.00006; gnomAD exomes 0.00023 and 0.00043; 1000 Genomes Project 30x 0.00031; 1000 Genomes Project 0.00040; ExAC 0.00055.
gnomAD v4.1: 357 of 1,614,148 alleles (0.022%); highest among the groups gnomAD compares: South Asian, 0.32%; 6 homozygotes.

Submissions (3):

Labcorp Genetics (formerly Invitae), Labcorp
Classification: Benign for Multiple congenital exostosis. Last evaluated: 2025-09-09. Review status: criteria provided, single submitter. Criteria: Invitae Variant Classification Sherloc (09022015). Collection method: clinical testing. Allele origin: germline.

Blueprint Genetics
Classification: Likely benign. Last evaluated: 2024-09-23. Review status: criteria provided, single submitter. Criteria: ACMG Guidelines, 2015. Collection method: clinical testing. Allele origin: germline.

PreventionGenetics, part of Exact Sciences
Classification: Likely benign for EXT1-related condition. Last evaluated: 2022-01-21. Review status: no assertion criteria provided. Collection method: clinical testing. Allele origin: germline. Not counted in ClinVar's aggregate classification.
Comment: This variant is classified as likely benign based on ACMG/AMP sequence variant interpretation guidelines (Richards et al. 2015 PMID: 25741868, with internal and published modifications).